The following is an entry in ClinVar:

ClinVar aggregate classification (germline): Uncertain significance. Review status: criteria provided, multiple submitters, no conflicts (2 of 4 stars). 2 submissions from 2 submitters: Uncertain significance (2). Last evaluated 2025-06-10.

Conditions:
Familial thoracic aortic aneurysm and aortic dissection (TAAD). Also called: Thoracic aortic aneurysms and dissections. Identifiers: Orphanet 91387, MedGen C4707243, MONDO:0019625.
Congenital contractural arachnodactyly (CCA). Also called: BEALS SYNDROME; Arthrogryposis, distal, type 9; Beals-Hecht syndrome. Identifiers: Orphanet 115, MedGen C0220668, MONDO:0007363, OMIM 121050.

Allele frequency attached by ClinVar (database versions not stated): gnomAD exomes 0.00001; TOPMed 0.00001.
gnomAD v4.1: 3 of 1,613,924 alleles (0.00019%); highest among the groups gnomAD compares: South Asian, 0.0011%; no homozygotes.

Submissions (2):

Ambry Genetics
Classification: Uncertain significance for Familial thoracic aortic aneurysm and aortic dissection. Last evaluated: 2025-06-10. Review status: criteria provided, single submitter. Criteria: Ambry Variant Classification Scheme 2023. Collection method: clinical testing. Allele origin: germline.
Comment: The p.P685L variant (also known as c.2054C>T), located in coding exon 15 of the FBN2 gene, results from a C to T substitution at nucleotide position 2054. The proline at codon 685 is replaced by leucine, an amino acid with similar properties. This amino acid position is well conserved in available vertebrate species. In addition, the in silico prediction for this alteration is inconclusive. Based on the available evidence, the clinical significance of this variant remains unclear.

Labcorp Genetics (formerly Invitae), Labcorp
Classification: Uncertain significance for Congenital contractural arachnodactyly. Last evaluated: 2019-04-24. Review status: criteria provided, single submitter. Criteria: Invitae Variant Classification Sherloc (09022015). Collection method: clinical testing. Allele origin: germline.
Comment: This sequence change replaces proline with leucine at codon 685 of the FBN2 protein (p.Pro685Leu). The proline residue is highly conserved and there is a moderate physicochemical difference between proline and leucine. This variant is not present in population databases (ExAC no frequency). This variant has not been reported in the literature in individuals with FBN2-related conditions. Algorithms developed to predict the effect of missense changes on protein structure and function are either unavailable or do not agree on the potential impact of this missense change (SIFT: "Deleterious"; PolyPhen-2: "Benign"; Align-GVGD: "Class C0"). In summary, the available evidence is currently insufficient to determine the role of this variant in disease. Therefore, it has been classified as a Variant of Uncertain Significance.

NM_001999.4(FBN2):c.2054C>T (p.Pro685Leu)

Gene: FBN2 (fibrillin 2; minus strand). Cytogenetic location: 5q23.3.
Variant type: single nucleotide variant.
Coding change: c.2054C>T on transcript NM_001999.4 (MANE Select); coding-DNA position 2054, C replaced by T.
Protein change: p.Pro685Leu; replaces proline 685 with leucine.
Molecular consequence: missense variant.
Genome position (GRCh38, 1-based): chr5:128,374,669, G>A on the plus strand (C>T on the coding strand, the complement: FBN2 is on the minus strand). VCF-style: chr5-128374669-G-A. GRCh37 (hg19) VCF-style: chr5-127710362-G-A.
Other names: short protein forms P685L.
Identifiers: ClinVar variation 946289 (VCV000946289.11), dbSNP rs1581249148, ClinGen allele CA360740251.